The following is an entry in ClinVar:

NM_024426.6(WT1):c.1404C>T (p.Ser468=)

Gene: WT1 (WT1 transcription factor; minus strand). Cytogenetic location: 11p13.
Variant type: single nucleotide variant.
Coding change: c.1404C>T on transcript NM_024426.6 (MANE Select); coding-DNA position 1404, C replaced by T.
Protein change: p.Ser468=; no amino-acid change (serine 468 retained).
Molecular consequence: synonymous variant. On other transcripts: non-coding transcript variant (2), intron variant (2).
Genome position (GRCh38, 1-based): chr11:32,392,015, G>A on the plus strand (C>T on the coding strand, the complement: WT1 is on the minus strand). VCF-style: chr11-32392015-G-A. GRCh37 (hg19) VCF-style: chr11-32413561-G-A.
Other names: c.1353C>T, p.Ser451= (NM_000378.6, NM_001407045.1); c.753C>T, p.Ser251= (NM_001198551.2); c.702C>T, p.Ser234= (NM_001198552.2); c.216C>T, p.Ser72= (NM_001367854.1); c.1398C>T, p.Ser466= (NM_001407044.1); c.1281C>T, p.Ser427= (NM_001407047.1); c.1263C>T, p.Ser421= (NM_001407048.1); c.1230C>T, p.Ser410= (NM_001407050.1); and 5 more.
Identifiers: ClinVar variation 414085 (VCV000414085.39), dbSNP rs374799820, ClinGen allele CA064530.

ClinVar aggregate classification (germline): Likely benign. Review status: criteria provided, multiple submitters, no conflicts (2 of 4 stars). 6 submissions from 6 submitters: Likely benign (5). 1 of the submissions does not count toward it. Last evaluated 2026-08-01.

Conditions:
Inborn genetic diseases. Identifiers: MedGen C0950123, MeSH D030342.
Wilms tumor 1 (WT1). Also called: Wilms tumor, somatic. Identifiers: Orphanet 654, MedGen CN033288, MONDO:0008679, OMIM 194070.
Frasier syndrome. Identifiers: Orphanet 347, MedGen C0950122, MeSH D052159, MONDO:0007635, OMIM 136680.
11p partial monosomy syndrome (WAGR). Also called: WAGR Spectrum Disorder; WAGR Complex; CHROMOSOME 11p13 DELETION SYNDROME; WAGR syndrome. Identifiers: Orphanet 893, MedGen C0206115, MONDO:0008681, OMIM 194072.
Drash syndrome (DDS). Also called: NEPHROPATHY, WILMS TUMOR, AND GENITAL ANOMALIES; WILMS TUMOR AND PSEUDO- OR TRUE HERMAPHRODITISM. Identifiers: Orphanet 220, MedGen C0950121, MONDO:0008682, OMIM 194080.
WT1-related disorder. Also called: WT1-related disorders. Identifiers: MedGen CN377814.

Allele frequency attached by ClinVar (database versions not stated): ExAC 0.00005; gnomAD 0.00006; gnomAD exomes 0.00006; ESP Exome Variant Server 0.00008; TOPMed 0.00009.

Submissions (6):

CeGaT Center for Human Genetics Tuebingen
Classification: Likely benign. Last evaluated: 2026-08-01. Review status: criteria provided, single submitter. Criteria: CeGaT Center For Human Genetics Tuebingen Variant Classification Criteria Version 2. Collection method: clinical testing. Allele origin: germline. Affected: yes. Observed: 2 variant alleles.
Comment: WT1: BP4, BP7

Labcorp Genetics (formerly Invitae), Labcorp
Classification: Likely benign for Wilms tumor 1; Drash syndrome; 11p partial monosomy syndrome; Frasier syndrome. Last evaluated: 2026-01-19. Review status: criteria provided, single submitter. Criteria: Invitae Variant Classification Sherloc (09022015). Collection method: clinical testing. Allele origin: germline.

Blueprint Genetics
Classification: Likely benign. Last evaluated: 2024-09-25. Review status: criteria provided, single submitter. Criteria: ACMG Guidelines, 2015. Collection method: clinical testing. Allele origin: germline.

Ambry Genetics
Classification: Likely benign for Inborn genetic diseases. Last evaluated: 2024-08-21. Review status: criteria provided, single submitter. Criteria: Ambry Variant Classification Scheme 2023. Collection method: clinical testing. Allele origin: germline.

Color Diagnostics, LLC DBA Color Health
Classification: Likely benign for Wilms tumor 1. Last evaluated: 2023-05-16. Review status: criteria provided, single submitter. Criteria: ACMG Guidelines, 2015. Collection method: clinical testing. Allele origin: germline.

PreventionGenetics, part of Exact Sciences
Classification: Likely benign for WT1-related condition. Last evaluated: 2019-02-19. Review status: no assertion criteria provided. Collection method: clinical testing. Allele origin: germline. Not counted in ClinVar's aggregate classification.
Comment: This variant is classified as likely benign based on ACMG/AMP sequence variant interpretation guidelines (Richards et al. 2015 PMID: 25741868, with internal and published modifications).